The following is an entry in ClinVar:

ClinVar aggregate classification (germline): Uncertain significance. Review status: criteria provided, multiple submitters, no conflicts (2 of 4 stars). 2 submissions from 2 submitters: Uncertain significance (2). Last evaluated 2025-10-02.

Conditions:
Dilated cardiomyopathy 1V (CMD1V). Identifiers: Orphanet 154, MedGen C3150958, MONDO:0013373, OMIM 613697.

Allele frequency attached by ClinVar (database versions not stated): TOPMed below 0.00001; gnomAD 0.00001; gnomAD exomes 0.00002.
gnomAD v4.1: 18 of 1,614,048 alleles (0.0011%); highest among the groups gnomAD compares: Admixed American, 0.0033%; no homozygotes.

Submissions (2):

Women's Health and Genetics/Laboratory Corporation of America, LabCorp
Classification: Uncertain significance. Last evaluated: 2025-10-02. Review status: criteria provided, single submitter. Criteria: LabCorp Variant Classification Summary - May 2015. Collection method: clinical testing. Allele origin: germline.
Comment: Variant summary: PSEN2 c.584A>G (p.Tyr195Cys) results in a non-conservative amino acid change in the encoded protein sequence. Algorithms developed to predict the effect of missense changes on protein structure and function all suggest that this variant is likely to be disruptive. The variant allele was found at a frequency of 1.6e-05 in 250940 control chromosomes. The available data on variant occurrences in the general population are insufficient to allow any conclusion about variant significance. c.584A>G has been observed in an individual in an early onset frontotemporal dementia cohort (Koriath_2020). This report does not provide unequivocal conclusions about association of the variant with Alzheimer Disease 4. To our knowledge, no experimental evidence demonstrating an impact on protein function has been reported. The following publication has been ascertained in the context of this evaluation (PMID: 30279455). ClinVar contains an entry for this variant (Variation ID: 1338977). Based on the evidence outlined above, the variant was classified as uncertain significance.

Neuberg Centre For Genomic Medicine, NCGM
Classification: Uncertain significance for Dilated cardiomyopathy 1V. Review status: criteria provided, single submitter. Criteria: ACMG Guidelines, 2015. Collection method: clinical testing. Allele origin: germline. Affected: yes.
Comment: The missense variant p.Y195C in PSEN2 (NM_000447.3) has not been reported previously as a pathogenic variant nor as a benign variant, to our knowledge. The missense variant c.584A>G (p.Y195C) in PSEN2 (NM_000447.3) is observed in 4 individuals in heterozygous state (0.0015%) in the gnomad database and was not observed in homozygous state. The p.Y195C missense variant is predicted to be damaging by both SIFT and PolyPhen2. The nucleotide c.584 in PSEN2 is predicted conserved by GERP++ and PhyloP across 100 vertebrates. For these reasons, this variant has been classified as Uncertain Significance.

Literature cited by the submitters: PubMed 30279455 (cited by Women's Health and Genetics/Laboratory Corporation of America, LabCorp).

NM_000447.3(PSEN2):c.584A>G (p.Tyr195Cys)

Gene: PSEN2 (presenilin 2; plus strand). Cytogenetic location: 1q42.13.
Variant type: single nucleotide variant.
Coding change: c.584A>G on transcript NM_000447.3 (MANE Select); coding-DNA position 584, A replaced by G.
Protein change: p.Tyr195Cys; replaces tyrosine 195 with cysteine.
Molecular consequence: missense variant.
Genome position (GRCh38, 1-based): chr1:226,888,846, A>G. VCF-style: chr1-226888846-A-G. GRCh37 (hg19) VCF-style: chr1-227076547-A-G.
Other names: c.584A>G, p.Tyr195Cys (NM_012486.3); short protein forms Y195C.
Identifiers: ClinVar variation 1338977 (VCV001338977.3), dbSNP rs200410369, ClinGen allele CA38619870.